The following is an entry in ClinVar:

NM_001298.3(CNGA3):c.2001C>G (p.Ser667Arg)

Gene: CNGA3 (cyclic nucleotide gated channel subunit alpha 3; plus strand). Cytogenetic location: 2q11.2.
Variant type: single nucleotide variant.
Coding change: c.2001C>G on transcript NM_001298.3 (MANE Select); coding-DNA position 2001, C replaced by G.
Protein change: p.Ser667Arg; replaces serine 667 with arginine.
Molecular consequence: missense variant.
Genome position (GRCh38, 1-based): chr2:98,397,171, C>G. VCF-style: chr2-98397171-C-G. GRCh37 (hg19) VCF-style: chr2-99013634-C-G.
Other names: c.1947C>G, p.Ser649Arg (NM_001079878.2); short protein forms S667R, S649R.
Identifiers: ClinVar variation 1503602 (VCV001503602.8), dbSNP rs374834480, ClinGen allele CA52636129.

ClinVar aggregate classification (germline): Uncertain significance (1 of 4 stars; one submission).

Allele frequency attached by ClinVar (database versions not stated): gnomAD exomes below 0.00001; gnomAD 0.00002 and 0.00003; TOPMed 0.00003; ESP Exome Variant Server 0.00008.
gnomAD v4.1: 7 of 1,614,020 alleles (0.00043%); highest among the groups gnomAD compares: African/African-American, 0.008%; no homozygotes.

Submission:

Labcorp Genetics (formerly Invitae), Labcorp
Classification: Uncertain significance. Last evaluated: 2021-07-04. Review status: criteria provided, single submitter. Criteria: Invitae Variant Classification Sherloc (09022015). Collection method: clinical testing. Allele origin: germline.
Comment: This sequence change replaces serine with arginine at codon 667 of the CNGA3 protein (p.Ser667Arg). The serine residue is moderately conserved and there is a moderate physicochemical difference between serine and arginine. This variant is not present in population databases (ExAC no frequency). This variant has not been reported in the literature in individuals affected with CNGA3-related conditions. Advanced modeling of protein sequence and biophysical properties (such as structural, functional, and spatial information, amino acid conservation, physicochemical variation, residue mobility, and thermodynamic stability) performed at Invitae indicates that this missense variant is not expected to disrupt CNGA3 protein function. In summary, the available evidence is currently insufficient to determine the role of this variant in disease. Therefore, it has been classified as a Variant of Uncertain Significance.